The following is an entry in ClinVar:

ClinVar aggregate classification (germline): Likely benign. Review status: criteria provided, single submitter (1 of 4 stars). 2 submissions from 2 submitters: Likely benign (1). 1 of the submissions does not count toward it. Last evaluated 2026-02-02.

Conditions:
DSG1-related disorder. Also called: DSG1-related condition.

Allele frequency attached by ClinVar (database versions not stated): gnomAD exomes 0.00009 and 0.00024; ExAC 0.00029; ESP Exome Variant Server 0.00092; gnomAD 0.00094 and 0.00101; 1000 Genomes Project 0.00100; 1000 Genomes Project 30x 0.00109; TOPMed 0.00128.
gnomAD v4.1: 274 of 1,591,818 alleles (0.017%); highest among the groups gnomAD compares: African/African-American, 0.32%; no homozygotes.

Submissions (2):

Labcorp Genetics (formerly Invitae), Labcorp
Classification: Likely benign. Last evaluated: 2026-02-02. Review status: criteria provided, single submitter. Criteria: Invitae Variant Classification Sherloc (09022015). Collection method: clinical testing. Allele origin: germline.

PreventionGenetics, part of Exact Sciences
Classification: Likely benign for DSG1-related condition. Last evaluated: 2024-07-25. Review status: no assertion criteria provided. Collection method: clinical testing. Allele origin: germline. Not counted in ClinVar's aggregate classification.
Comment: This variant is classified as likely benign based on ACMG/AMP sequence variant interpretation guidelines (Richards et al. 2015 PMID: 25741868, with internal and published modifications).

NM_001942.4(DSG1):c.820-3C>T

Gene: DSG1 (desmoglein 1; plus strand). Cytogenetic location: 18q12.1.
Variant type: single nucleotide variant.
Coding change: c.820-3C>T on transcript NM_001942.4 (MANE Select); 3 bases into the intron before coding-DNA position 820, C replaced by T.
Molecular consequence: intron variant.
Genome position (GRCh38, 1-based): chr18:31,334,014, C>T. VCF-style: chr18-31334014-C-T. GRCh37 (hg19) VCF-style: chr18-28913977-C-T.
Other names: c.820-3C>T (NM_001942.3).
Identifiers: ClinVar variation 1089396 (VCV001089396.11), dbSNP rs201123667, ClinGen allele CA8925955.